The following is an entry in ClinVar:

NM_001003800.2(BICD2):c.2510G>T (p.Gly837Val)

Gene: BICD2 (BICD cargo adaptor 2; minus strand). Cytogenetic location: 9q22.31.
Variant type: single nucleotide variant.
Coding change: c.2510G>T on transcript NM_001003800.2 (MANE Select); coding-DNA position 2510, G replaced by T.
Protein change: p.Gly837Val; replaces glycine 837 with valine.
Molecular consequence: missense variant. On other transcripts: intron variant (1).
Genome position (GRCh38, 1-based): chr9:92,715,212, C>A on the plus strand (G>T on the coding strand, the complement: BICD2 is on the minus strand). VCF-style: chr9-92715212-C-A. GRCh37 (hg19) VCF-style: chr9-95477494-C-A.
Other names: c.2469+41G>T (NM_015250.4); short protein forms G837V.
Identifiers: ClinVar variation 2852735 (VCV002852735.3), dbSNP rs757915845, ClinGen allele CA5126280.

ClinVar aggregate classification (germline): Uncertain significance (1 of 4 stars; one submission).

Conditions:
Autosomal dominant childhood-onset proximal spinal muscular atrophy with contractures (SMALED2A). Also called: SPINAL MUSCULAR ATROPHY, LOWER EXTREMITY-PREDOMINANT, 2A, CHILDHOOD ONSET, AUTOSOMAL DOMINANT; Spinal muscular atrophy, lower extremity-predominant, 2A, autosomal dominant. Identifiers: Orphanet 363447, Orphanet 363454, MedGen C4747715, MONDO:0014121, OMIM 615290.

Allele frequency attached by ClinVar (database versions not stated): TOPMed below 0.00001; gnomAD 0.00001; ExAC 0.00003.
gnomAD v4.1: 11 of 1,612,324 alleles (0.00068%); highest among the groups gnomAD compares: Non-Finnish European, 0.00059%; no homozygotes.

Submission:

Labcorp Genetics (formerly Invitae), Labcorp
Classification: Uncertain significance for Autosomal dominant childhood-onset proximal spinal muscular atrophy with contractures. Last evaluated: 2024-06-24. Review status: criteria provided, single submitter. Criteria: Invitae Variant Classification Sherloc (09022015). Collection method: clinical testing. Allele origin: germline.
Comment: This sequence change replaces glycine, which is neutral and non-polar, with valine, which is neutral and non-polar, at codon 837 of the BICD2 protein (p.Gly837Val). This variant is present in population databases (rs757915845, gnomAD 0.005%). This variant has not been reported in the literature in individuals affected with BICD2-related conditions. Advanced modeling of protein sequence and biophysical properties (such as structural, functional, and spatial information, amino acid conservation, physicochemical variation, residue mobility, and thermodynamic stability) performed at Invitae indicates that this missense variant is not expected to disrupt BICD2 protein function with a negative predictive value of 95%. In summary, the available evidence is currently insufficient to determine the role of this variant in disease. Therefore, it has been classified as a Variant of Uncertain Significance.